The following is an entry in ClinVar:

ClinVar aggregate classification (germline): Uncertain significance (1 of 4 stars; one submission).

Conditions:
Hereditary cancer-predisposing syndrome. Also called: Neoplastic Syndromes, Hereditary; Tumor predisposition; Hereditary Cancer Syndrome; Hereditary neoplastic syndrome. Identifiers: Orphanet 140162, MedGen C0027672, MeSH D009386, MONDO:0015356.

Submission:

Ambry Genetics
Classification: Uncertain significance for Hereditary cancer-predisposing syndrome. Last evaluated: 2022-02-14. Review status: criteria provided, single submitter. Criteria: Ambry Variant Classification Scheme 2023. Collection method: clinical testing. Allele origin: germline.
Comment: The p.P254T variant (also known as c.760C>A), located in coding exon 6 of the CDK4 gene, results from a C to A substitution at nucleotide position 760. The proline at codon 254 is replaced by threonine, an amino acid with highly similar properties. This amino acid position is well conserved in available vertebrate species. In addition, this alteration is predicted to be tolerated by in silico analysis. Since supporting evidence is limited at this time, the clinical significance of this alteration remains unclear.

NM_000075.4(CDK4):c.760C>A (p.Pro254Thr)

Genes: CDK4 (cyclin dependent kinase 4; minus strand), TSPAN31 (tetraspanin 31; plus strand). Cytogenetic location: 12q14.1.
Variant type: single nucleotide variant.
Coding change: c.760C>A on transcript NM_000075.4 (MANE Select); coding-DNA position 760, C replaced by A.
Protein change: p.Pro254Thr; replaces proline 254 with threonine.
Molecular consequence: missense variant. On other transcripts: 3 prime UTR variant (3).
Genome position (GRCh38, 1-based): chr12:57,749,241, G>T on the plus strand (C>A on the coding strand, the complement: CDK4 is on the minus strand). VCF-style: chr12-57749241-G-T. GRCh37 (hg19) VCF-style: chr12-58143024-G-T.
Other names: c.*1951G>T (NM_001330168.2, NM_001330169.2, NM_005981.5); short protein forms P254T.
Identifiers: ClinVar variation 1759780 (VCV001759780.2), dbSNP rs587779896, ClinGen allele CA385543296.